The following is an entry in ClinVar:

NM_000138.5(FBN1):c.4520G>A (p.Gly1507Asp)

Gene: FBN1 (fibrillin 1; minus strand). Cytogenetic location: 15q21.1.
Variant type: single nucleotide variant.
Coding change: c.4520G>A on transcript NM_000138.5 (MANE Select); coding-DNA position 4520, G replaced by A.
Protein change: p.Gly1507Asp; replaces glycine 1507 with aspartic acid.
Molecular consequence: missense variant.
Genome position (GRCh38, 1-based): chr15:48,468,474, C>T on the plus strand (G>A on the coding strand, the complement: FBN1 is on the minus strand). VCF-style: chr15-48468474-C-T. GRCh37 (hg19) VCF-style: chr15-48760671-C-T.
Other names: p.G1507D:GGC>GAC; short protein forms G1507D.
Identifiers: ClinVar variation 200049 (VCV000200049.25), dbSNP rs794728225, ClinGen allele CA015156.

ClinVar aggregate classification (germline): Pathogenic/Likely pathogenic. Review status: criteria provided, multiple submitters, no conflicts (2 of 4 stars). 5 submissions from 5 submitters: Pathogenic (1); Likely pathogenic (4). Last evaluated 2025-12-22.

Conditions:
Thoracic aortic aneurysm or dissection.
Marfan Syndrome/Loeys-Dietz Syndrome/Familial Thoracic Aortic Aneurysms and Dissections. Identifiers: MedGen CN229799.
Marfan syndrome (MFS). Also called: MARFAN SYNDROME, TYPE I; FBN1-Related Marfan Syndrome; Marfan syndrome type 1; Marfan's syndrome; Marfan syndrome, classic. Identifiers: Orphanet 284963, Orphanet 558, MedGen C0024796, MONDO:0007947, OMIM 154700.
Familial thoracic aortic aneurysm and aortic dissection (TAAD). Also called: Thoracic aortic aneurysms and dissections. Identifiers: Orphanet 91387, MedGen C4707243, MONDO:0019625.

Submissions (5):

North West Genomic Laboratory Hub, Manchester University NHS Foundation Trust
Classification: Likely pathogenic for Thoracic aortic aneurysm or dissection. Last evaluated: 2025-12-22. Review status: criteria provided, single submitter. Criteria: ACGS Best Practice Guidelines for Variant Classification in Rare Disease 2024. Collection method: clinical testing. Allele origin: germline. Affected: yes.
Comment: PM2_Supp PS4_Mod PP3_Supp PP2_Supp PM1_Mod

Women's Health and Genetics/Laboratory Corporation of America, LabCorp
Classification: Likely pathogenic for Marfan Syndrome/Loeys-Dietz Syndrome/Familial Thoracic Aortic Aneurysms and Dissections. Last evaluated: 2022-07-25. Review status: criteria provided, single submitter. Criteria: LabCorp Variant Classification Summary - May 2015. Collection method: clinical testing. Allele origin: germline.
Comment: Variant summary: FBN1 c.4520G>A (p.Gly1507Asp) results in a non-conservative amino acid change located in the EGF-like domain of the encoded protein sequence. Five of five in-silico tools predict a damaging effect of the variant on protein function. The variant was absent in 251132 control chromosomes. c.4520G>A has been reported in the literature in individuals affected with Marfan Syndrome, including one de novo case. These data indicate that the variant may be associated with disease. To our knowledge, no experimental evidence demonstrating an impact on protein function has been reported. One clinical diagnostic laboratory has submitted clinical-significance assessments for this variant to ClinVar after 2014 without evidence for independent evaluation and classified the variant as likely pathogenic. Based on the evidence outlined above, the variant was classified as likely pathogenic.

Labcorp Genetics (formerly Invitae), Labcorp
Classification: Pathogenic for Marfan syndrome; Familial thoracic aortic aneurysm and aortic dissection. Last evaluated: 2022-04-27. Review status: criteria provided, single submitter. Criteria: Invitae Variant Classification Sherloc (09022015). Collection method: clinical testing. Allele origin: germline.
Comment: Advanced modeling of protein sequence and biophysical properties (such as structural, functional, and spatial information, amino acid conservation, physicochemical variation, residue mobility, and thermodynamic stability) performed at Invitae indicates that this missense variant is expected to disrupt FBN1 protein function. For these reasons, this variant has been classified as Pathogenic. ClinVar contains an entry for this variant (Variation ID: 200049). This missense change has been observed in individual(s) with Marfan syndrome (PMID: 25907466, 33483584; Invitae). In at least one individual the variant was observed to be de novo. This variant is not present in population databases (gnomAD no frequency). This sequence change replaces glycine, which is neutral and non-polar, with aspartic acid, which is acidic and polar, at codon 1507 of the FBN1 protein (p.Gly1507Asp).

Centre of Medical Genetics, University of Antwerp
Classification: Likely pathogenic for Marfan syndrome. Last evaluated: 2021-03-01. Review status: criteria provided, single submitter. Criteria: Submitter's publication. Collection method: research. Allele origin: unknown. Affected: yes.
Comment: PM2, PS6, PP4

GeneDx
Classification: Likely pathogenic. Last evaluated: 2013-10-11. Review status: criteria provided, single submitter. Criteria: GeneDx Variant Classification (06012015). Collection method: clinical testing. Allele origin: germline. Affected: yes.
Comment: p.Gly1507Asp (GGC>GAC): c.4520 G>A in exon 37 of the FBN1 gene (NM_000138.4)The Gly1507Asp variant in the FBN1 gene has not been reported as a disease-causing mutation or as a benign polymorphism to our knowledge. Gly1507Asp results in a non-conservative amino acid substitution of a non-polar Glycine with a negatively charged Aspartic acid at a position that is conserved across species. In silico analysis predicts Gly1507Asp is damaging to the protein structure/function. Mutations in nearby residues (Ser1499Cys, Cys1502Tyr, Cys1513Arg) have been reported in association with Marfan syndrome, further supporting the functional importance of this region of the protein. Furthermore, the Gly1507Asp variant was not observed in approximately 6,000 individuals of European and African American ancestry in the NHLBI Exome Sequencing Project, indicating it is not a common benign variant in these populations.In summary, while Gly1507Asp is a good candidate for a disease-causing mutation, with the clinical and molecular information available at this time we cannot unequivocally determine the clinical significance of this variant. The variant is found in TAAD panel(s).

Literature cited by the submitters: PubMed 25907466 (cited by Women's Health and Genetics/Laboratory Corporation of America, LabCorp and Labcorp Genetics (formerly Invitae), Labcorp); PubMed 33483584 (cited by Women's Health and Genetics/Laboratory Corporation of America, LabCorp and Labcorp Genetics (formerly Invitae), Labcorp).